The following is an entry in ClinVar:

ClinVar aggregate classification (germline): Uncertain significance (1 of 4 stars; one submission).

Submission:

GeneDx
Classification: Uncertain significance. Last evaluated: 2023-05-01. Review status: criteria provided, single submitter. Criteria: GeneDx Variant Classification Process June 2021. Collection method: clinical testing. Allele origin: germline. Affected: yes.
Comment: Not observed at significant frequency in large population cohorts (gnomAD); In silico analysis supports that this missense variant has a deleterious effect on protein structure/function; Has not been previously published as pathogenic or benign to our knowledge

NM_001148.6(ANK2):c.10670A>G (p.Asp3557Gly)

Gene: ANK2 (ankyrin 2; plus strand). Cytogenetic location: 4q26.
Variant type: single nucleotide variant.
Coding change: c.10670A>G on transcript NM_001148.6 (MANE Select); coding-DNA position 10670, A replaced by G.
Protein change: p.Asp3557Gly; replaces aspartic acid 3557 with glycine.
Molecular consequence: missense variant. On other transcripts: intron variant (68).
Genome position (GRCh38, 1-based): chr4:113,359,288, A>G. VCF-style: chr4-113359288-A-G. GRCh37 (hg19) VCF-style: chr4-114280444-A-G.
Other names: c.10436A>G, p.Asp3479Gly (NM_001386142.1); c.7070A>G, p.Asp2357Gly (NM_001386166.1); c.10811A>G, p.Asp3604Gly (NM_001386174.1); c.10787A>G, p.Asp3596Gly (NM_001386175.1); c.4412-1535A>G (NM_001386186.2, NM_001386148.2); c.4214-1535A>G (NM_001354269.3); c.4292-1535A>G (NM_001386187.2); c.4253-1535A>G (NM_001386147.1); and 35 more; short protein forms D2357G, D3479G, D3557G, D3596G, D3604G.
Identifiers: ClinVar variation 2663330 (VCV002663330.1), dbSNP rs2506067284, ClinGen allele CA357940941.
Genomic context (GRCh38, chr4:113,359,288, plus strand): 5'-CCATTTGGGATGAGTCTATTGAGACTCTGATTGAACGCATCCCTGATGAAAATGGCCATG[A>G]CCATGCTGAAGGTATTTGCCAGCCACCGGGATTCCCTGTGCTACGCATGTCATAAAATTG-3'
Protein context (NP_001139.3, residues 3547-3567): IERIPDENGH[Asp3557Gly]HAEDPQDEQE